The following is an entry in ClinVar:

NM_000080.4(CHRNE):c.721C>T (p.Leu241Phe)

Genes: C17orf107 (chromosome 17 open reading frame 107; plus strand), CHRNE (cholinergic receptor nicotinic epsilon subunit; minus strand). Cytogenetic location: 17p13.2.
Variant type: single nucleotide variant.
Coding change: c.721C>T on transcript NM_000080.4 (MANE Select); coding-DNA position 721, C replaced by T.
Protein change: p.Leu241Phe; replaces leucine 241 with phenylalanine.
Molecular consequence: missense variant. On other transcripts: 3 prime UTR variant (1).
Genome position (GRCh38, 1-based): chr17:4,901,071, G>A on the plus strand (C>T on the coding strand, the complement: CHRNE is on the minus strand). VCF-style: chr17-4901071-G-A. GRCh37 (hg19) VCF-style: chr17-4804366-G-A.
Other names: L221F; c.*538G>A (NM_001145536.2); short protein forms L241F.
Identifiers: ClinVar variation 18352 (VCV000018352.10), dbSNP rs28999110, ClinGen allele CA128058.
Genomic context (GRCh38, chr17:4,901,071, plus strand): 5'-CGAGCAGCACCAGGCCCGAGATGAGCACACAGGGCACGATGATGTTAATGACGTAGAAGA[G>A]CGGCTTCCGGCGGATGATGAGCGAGTAGATGACGTCAGTCTCCCCTGGGCCGTCGGTGGC-3'
Protein context (NP_000071.1, residues 231-251): IYSLIIRRKP[Leu241Phe]FYVINIIVPC

ClinVar aggregate classification (germline): Pathogenic/Likely pathogenic. Review status: criteria provided, multiple submitters, no conflicts (2 of 4 stars). 4 submissions from 4 submitters: Pathogenic (2); Likely pathogenic (1). 1 of the submissions does not count toward it. Last evaluated 2024-06-25.

Conditions:
Congenital myasthenic syndrome (CMS). Also called: Congenital Myasthenic Syndromes. Identifiers: Orphanet 590, MedGen C0751882, MeSH D020294, MONDO:0018940.
Congenital myasthenic syndrome 4A. Also called: CONGENITAL MYASTHENIC SYNDROME TYPE Ia1; Myasthenic syndrome, congenital, 4a, slow-channel; MYASTHENIC SYNDROME, CONGENITAL, 4A, SLOW-CHANNEL, AUTOSOMAL RECESSIVE. Identifiers: Orphanet 590, MedGen C4225413, MONDO:0011600, OMIM 605809.

Submissions (4):

Women's Health and Genetics/Laboratory Corporation of America, LabCorp
Classification: Pathogenic for Congenital myasthenic syndrome. Last evaluated: 2024-06-25. Review status: criteria provided, single submitter. Criteria: LabCorp Variant Classification Summary - May 2015. Collection method: clinical testing. Allele origin: germline.
Comment: Variant summary: CHRNE c.721C>T (p.Leu241Phe) results in a non-conservative amino acid change in the encoded protein sequence. Five of five in-silico tools predict a damaging effect of the variant on protein function. The variant was absent in 250002 control chromosomes. The available data on variant occurrences in the general population are insufficient to allow any conclusion about variant significance. c.721C>T has been reported in the literature in multiple heterozygous individuals affected with slow-channel congenital myasthenic syndromes (Croxen_2002, Angelini_2019). Two publications report experimental evidence evaluating an impact on protein function. In one study in transient transfection into HEK293 cells, patch clamping showed 2.4-fold slow in time constant of decay of the synaptic current (Croxen_2002). In a mouse model carrying this missense variant, prolonged endplate currents was observed that is associated with moderate reduced muscle strength and tetanic fade, calcium and intracellular vesicle accumulation as well as junctional fold loss and organelle degeneration, and a remodeling of neuromuscular junctions (Chevessier_2012). The following publications have been ascertained in the context of this evaluation (PMID: 30542963, 22178625, 12141316). ClinVar contains an entry for this variant (Variation ID: 18352). Based on the evidence outlined above, the variant was classified as pathogenic.

Baylor Genetics
Classification: Likely pathogenic for Congenital myasthenic syndrome 4A. Last evaluated: 2022-05-26. Review status: criteria provided, single submitter. Criteria: ACMG Guidelines, 2015. Collection method: clinical testing. Allele origin: unknown.

Labcorp Genetics (formerly Invitae), Labcorp
Classification: Pathogenic for Congenital myasthenic syndrome 4A. Last evaluated: 2021-06-21. Review status: criteria provided, single submitter. Criteria: Invitae Variant Classification Sherloc (09022015). Collection method: clinical testing. Allele origin: germline.
Comment: Advanced modeling of protein sequence and biophysical properties (such as structural, functional, and spatial information, amino acid conservation, physicochemical variation, residue mobility, and thermodynamic stability) performed at Invitae indicates that this missense variant is expected to disrupt CHRNE protein function. This variant has been observed in individual(s) with clinical features of autosomal dominant congenital myasthenic syndrome (PMID: 12141316, 30542963). ClinVar contains an entry for this variant (Variation ID: 18352). This variant is also described as L221F in the literature. This variant is not present in population databases (ExAC no frequency). This sequence change replaces leucine with phenylalanine at codon 241 of the CHRNE protein (p.Leu241Phe). The leucine residue is highly conserved and there is a small physicochemical difference between leucine and phenylalanine. Experimental studies have shown that this variant affects CHRNE protein function (PMID: 12141316, 22178625). For these reasons, this variant has been classified as Pathogenic.

OMIM
Classification: Pathogenic for MYASTHENIC SYNDROME, CONGENITAL, 4A, SLOW-CHANNEL. Last evaluated: 1994-01-01. Review status: no assertion criteria provided. Collection method: literature only. Allele origin: germline. Not counted in ClinVar's aggregate classification.

Literature cited by the submitters: PubMed 30542963 (cited by Women's Health and Genetics/Laboratory Corporation of America, LabCorp and Labcorp Genetics (formerly Invitae), Labcorp); PubMed 22178625 (cited by Women's Health and Genetics/Laboratory Corporation of America, LabCorp and Labcorp Genetics (formerly Invitae), Labcorp); PubMed 12141316 (cited by 3 submitters); PubMed 3651795 (cited by OMIM); PubMed 7863154 (cited by OMIM).